The following is an entry in ClinVar:

ClinVar aggregate classification (germline): Likely benign (1 of 4 stars; one submission).

gnomAD v4.1: 53 of 1,613,490 alleles (0.0033%); highest among the groups gnomAD compares: South Asian, 0.018%; no homozygotes.

Submission:

CeGaT Center for Human Genetics Tuebingen
Classification: Likely benign. Last evaluated: 2025-07-01. Review status: criteria provided, single submitter. Criteria: CeGaT Center For Human Genetics Tuebingen Variant Classification Criteria Version 2. Collection method: clinical testing. Allele origin: germline. Affected: yes. Observed: 1 variant allele.
Comment: PPFIA4: BP4, BP7

NM_001304331.2(PPFIA4):c.1536C>T (p.Asp512=)

Gene: PPFIA4 (PPFI scaffold protein A4; plus strand). Cytogenetic location: 1q32.1.
Variant type: single nucleotide variant.
Coding change: c.1536C>T on transcript NM_001304331.2 (MANE Select); coding-DNA position 1536, C replaced by T.
Protein change: p.Asp512=; no amino-acid change (aspartic acid 512 retained).
Molecular consequence: synonymous variant.
Genome position (GRCh38, 1-based): chr1:203,051,793, C>T. VCF-style: chr1-203051793-C-T. GRCh37 (hg19) VCF-style: chr1-203020921-C-T.
Other names: c.1536C>T, p.Asp512= (NM_001304332.2, NM_001393952.1); c.1509C>T, p.Asp503= (NM_001393950.1); c.1473C>T, p.Asp491= (NM_001393951.1); c.1401C>T, p.Asp467= (NM_001393953.1, NM_001393954.1); c.1338C>T, p.Asp446= (NM_001393955.1, NM_001393956.1); c.1269C>T, p.Asp423= (NM_001393957.1).
Identifiers: ClinVar variation 4083718 (VCV004083718.8).
Genomic context (GRCh38, chr1:203,051,793, plus strand): 5'-AGGGCCTGTCTTTTCTCTCCCCCATCACCGCTCAAGGTCGCACATGGGCAGTGCAGCAGA[C>T]GTGCGGTTCTCCCTGGGCACAACCACACACGCACCCCCAGGCGTGCATCGCCGCTACTCG-3'
Protein context (NP_001291260.1, residues 502-522): HSRSHMGSAA[Asp512=]VRFSLGTTTH